The following is an entry in ClinVar:

ClinVar aggregate classification (germline): Uncertain significance (1 of 4 stars; one submission).

Conditions:
Hereditary cancer-predisposing syndrome. Also called: Neoplastic Syndromes, Hereditary; Tumor predisposition; Hereditary neoplastic syndrome; Hereditary Cancer Syndrome. Identifiers: Orphanet 140162, MedGen C0027672, MeSH D009386, MONDO:0015356.
Cardiovascular phenotype. Identifiers: MedGen CN230736.

Allele frequency attached by ClinVar (database versions not stated): TOPMed below 0.00001.

Submission:

Ambry Genetics
Classification: Uncertain significance for Cardiovascular phenotype; Hereditary cancer-predisposing syndrome. Last evaluated: 2023-06-29. Review status: criteria provided, single submitter. Criteria: Ambry Variant Classification Scheme 2023. Collection method: clinical testing. Allele origin: germline.
Comment: The p.G18D variant (also known as c.53G>A), located in coding exon 1 of the LZTR1 gene, results from a G to A substitution at nucleotide position 53. The glycine at codon 18 is replaced by aspartic acid, an amino acid with similar properties. This amino acid position is conserved. In addition, this alteration is predicted to be tolerated by in silico analysis. Since supporting evidence is limited at this time, the clinical significance of this alteration remains unclear.

NM_006767.4(LZTR1):c.53G>A (p.Gly18Asp)

Genes: LZTR1 (leucine zipper like post translational regulator 1; plus strand), LOC130067016 (ATAC-STARR-seq lymphoblastoid silent region 13504; plus strand). Cytogenetic location: 22q11.21.
Variant type: single nucleotide variant.
Coding change: c.53G>A on transcript NM_006767.4 (MANE Select); coding-DNA position 53, G replaced by A.
Protein change: p.Gly18Asp; replaces glycine 18 with aspartic acid.
Molecular consequence: missense variant.
Genome position (GRCh38, 1-based): chr22:20,982,424, G>A. VCF-style: chr22-20982424-G-A. GRCh37 (hg19) VCF-style: chr22-21336713-G-A.
Other names: short protein forms G18D.
Identifiers: ClinVar variation 3238306 (VCV003238306.1), dbSNP rs1211148668.